The following is an entry in ClinVar:

NM_000214.3(JAG1):c.3281G>T (p.Arg1094Leu)

Gene: JAG1 (jagged canonical Notch ligand 1; minus strand). Cytogenetic location: 20p12.2.
Variant type: single nucleotide variant.
Coding change: c.3281G>T on transcript NM_000214.3 (MANE Select); coding-DNA position 3281, G replaced by T.
Protein change: p.Arg1094Leu; replaces arginine 1094 with leucine.
Molecular consequence: missense variant.
Genome position (GRCh38, 1-based): chr20:10,639,874, C>A on the plus strand (G>T on the coding strand, the complement: JAG1 is on the minus strand). VCF-style: chr20-10639874-C-A. GRCh37 (hg19) VCF-style: chr20-10620522-C-A.
Other names: short protein forms R1094L.
Identifiers: ClinVar variation 4705516 (VCV004705516.1).
Genomic context (GRCh38, chr20:10,639,874, plus strand): 5'-TTGTTGGTGGTGTTGTCCTCAGAGGCTGAGTGTGTGTGGCTGCCCGGCTTCCGCCGCTTC[C>A]GCAGGCACCAGTAGAAGGCCGTCACCAAGCAACAGATCCAAGCCACAGTTAAGACAGAGC-3'
Protein context (NP_000205.1, residues 1084-1104): CLVTAFYWCL[Arg1094Leu]KRRKPGSHTH

ClinVar aggregate classification (germline): Uncertain significance (1 of 4 stars; one submission).

Conditions:
Alagille syndrome due to a JAG1 point mutation. Also called: HEPATIC DUCTULAR HYPOPLASIA, SYNDROMATIC; JAG1-Related Alagille Syndrome; Alagille Syndrome 1. Identifiers: Orphanet 261619, Orphanet 52, MedGen C1956125, MONDO:0016862, OMIM 118450.

Submission:

Labcorp Genetics (formerly Invitae), Labcorp
Classification: Uncertain significance for Alagille syndrome due to a JAG1 point mutation. Last evaluated: 2025-11-02. Review status: criteria provided, single submitter. Criteria: Invitae Variant Classification Sherloc (09022015). Collection method: clinical testing. Allele origin: germline.
Comment: This sequence change replaces arginine, which is basic and polar, with leucine, which is neutral and non-polar, at codon 1094 of the JAG1 protein (p.Arg1094Leu). This variant is not present in population databases (gnomAD no frequency). This variant has not been reported in the literature in individuals affected with JAG1-related conditions. Invitae Evidence Modeling of protein sequence and biophysical properties (such as structural, functional, and spatial information, amino acid conservation, physicochemical variation, residue mobility, and thermodynamic stability) indicates that this missense variant is not expected to disrupt JAG1 protein function with a negative predictive value of 80%. In summary, the available evidence is currently insufficient to determine the role of this variant in disease. Therefore, it has been classified as a Variant of Uncertain Significance.